The following is an entry in ClinVar:

NM_032802.4(SPPL2A):c.636G>C (p.Lys212Asn)

Gene: SPPL2A (signal peptide peptidase like 2A; minus strand). Cytogenetic location: 15q21.2.
Variant type: single nucleotide variant.
Coding change: c.636G>C on transcript NM_032802.4 (MANE Select); coding-DNA position 636, G replaced by C.
Protein change: p.Lys212Asn; replaces lysine 212 with asparagine.
Molecular consequence: missense variant.
Genome position (GRCh38, 1-based): chr15:50,739,777, C>G on the plus strand (G>C on the coding strand, the complement: SPPL2A is on the minus strand). VCF-style: chr15-50739777-C-G. GRCh37 (hg19) VCF-style: chr15-51031974-C-G.
Other names: short protein forms K212N.
Identifiers: ClinVar variation 1366738 (VCV001366738.8), dbSNP rs758861711, ClinGen allele CA392412706.

ClinVar aggregate classification (germline): Uncertain significance (1 of 4 stars; one submission).

gnomAD v4.1: 2 of 1,604,898 alleles (0.00012%); highest among the groups gnomAD compares: Non-Finnish European, 0.00017%; no homozygotes.

Submission:

Labcorp Genetics (formerly Invitae), Labcorp
Classification: Uncertain significance. Last evaluated: 2021-05-11. Review status: criteria provided, single submitter. Criteria: Invitae Variant Classification Sherloc (09022015). Collection method: clinical testing. Allele origin: germline.
Comment: This sequence change replaces lysine with asparagine at codon 212 of the SPPL2A protein (p.Lys212Asn). The lysine residue is moderately conserved and there is a moderate physicochemical difference between lysine and asparagine. This variant is not present in population databases (ExAC no frequency). This variant has not been reported in the literature in individuals with SPPL2A-related conditions. Algorithms developed to predict the effect of missense changes on protein structure and function are either unavailable or do not agree on the potential impact of this missense change (SIFT: "Tolerated"; PolyPhen-2: "Possibly Damaging"; Align-GVGD: "Class C0"). In summary, the available evidence is currently insufficient to determine the role of this variant in disease. Therefore, it has been classified as a Variant of Uncertain Significance.